The following is an entry in ClinVar:

ClinVar aggregate classification (germline): Uncertain significance (1 of 4 stars; one submission).

Conditions:
Hereditary cancer-predisposing syndrome. Also called: Tumor predisposition; Neoplastic Syndromes, Hereditary; Hereditary Cancer Syndrome; Hereditary neoplastic syndrome. Identifiers: Orphanet 140162, MedGen C0027672, MeSH D009386, MONDO:0015356.

Submission:

Ambry Genetics
Classification: Uncertain significance for Hereditary cancer-predisposing syndrome. Last evaluated: 2025-01-06. Review status: criteria provided, single submitter. Criteria: Ambry Variant Classification Scheme 2023. Collection method: clinical testing. Allele origin: germline.
Comment: The p.D559Y variant (also known as c.1675G>T), located in coding exon 14 of the MRE11A gene, results from a G to T substitution at nucleotide position 1675. The aspartic acid at codon 559 is replaced by tyrosine, an amino acid with highly dissimilar properties. This amino acid position is conserved. In addition, the in silico prediction for this alteration is inconclusive. Based on the available evidence, the clinical significance of this variant remains unclear.

NM_005591.4(MRE11):c.1675G>T (p.Asp559Tyr)

Gene: MRE11 (MRE11 double strand break repair nuclease; minus strand). Cytogenetic location: 11q21.
Variant type: single nucleotide variant.
Coding change: c.1675G>T on transcript NM_005591.4 (MANE Select); coding-DNA position 1675, G replaced by T.
Protein change: p.Asp559Tyr; replaces aspartic acid 559 with tyrosine.
Molecular consequence: missense variant.
Genome position (GRCh38, 1-based): chr11:94,447,327, C>A on the plus strand (G>T on the coding strand, the complement: MRE11 is on the minus strand). VCF-style: chr11-94447327-C-A. GRCh37 (hg19) VCF-style: chr11-94180493-C-A.
Other names: c.1675G>T, p.Asp559Tyr (NM_001330347.2, NM_005590.4); short protein forms D559Y.
Identifiers: ClinVar variation 3874323 (VCV003874323.1).